The following is an entry in ClinVar:

NM_004168.4(SDHA):c.1990T>C (p.Tyr664His)

Gene: SDHA (succinate dehydrogenase complex flavoprotein subunit A; plus strand). Cytogenetic location: 5p15.33.
Variant type: single nucleotide variant.
Coding change: c.1990T>C on transcript NM_004168.4 (MANE Select); coding-DNA position 1990, T replaced by C.
Protein change: p.Tyr664His; replaces tyrosine 664 with histidine.
Molecular consequence: missense variant.
Genome position (GRCh38, 1-based): chr5:256,415, T>C. VCF-style: chr5-256415-T-C. GRCh37 (hg19) VCF-style: chr5-256530-T-C.
Other names: c.1846T>C, p.Tyr616His (NM_001294332.2); c.1747T>C, p.Tyr583His (NM_001330758.2); short protein forms Y583H, Y664H, Y616H.
Identifiers: ClinVar variation 2943099 (VCV002943099.3), dbSNP rs2477489756, ClinGen allele CA359003213.

ClinVar aggregate classification (germline): Uncertain significance (1 of 4 stars; one submission).

Conditions:
Mitochondrial complex II deficiency, nuclear type 1. Also called: SUCCINATE CoQ REDUCTASE DEFICIENCY. Identifiers: Orphanet 3208, MedGen C5700310, MONDO:0100294, OMIM 252011.
Pheochromocytoma/paraganglioma syndrome 5. Also called: Paragangliomas 5; SDHA-Related Hereditary Paraganglioma-Pheochromocytoma Syndrome. Identifiers: Orphanet 29072, MedGen C3279992, MONDO:0013602, OMIM 614165.

Submission:

Labcorp Genetics (formerly Invitae), Labcorp
Classification: Uncertain significance for Pheochromocytoma/paraganglioma syndrome 5; Mitochondrial complex II deficiency, nuclear type 1. Last evaluated: 2023-01-11. Review status: criteria provided, single submitter. Criteria: Invitae Variant Classification Sherloc (09022015). Collection method: clinical testing. Allele origin: germline.
Comment: This sequence change replaces tyrosine, which is neutral and polar, with histidine, which is basic and polar, at codon 664 of the SDHA protein (p.Tyr664His). This variant is not present in population databases (gnomAD no frequency). This variant has not been reported in the literature in individuals affected with SDHA-related conditions. Algorithms developed to predict the effect of missense changes on protein structure and function (SIFT, PolyPhen-2, Align-GVGD) all suggest that this variant is likely to be disruptive. In summary, the available evidence is currently insufficient to determine the role of this variant in disease. Therefore, it has been classified as a Variant of Uncertain Significance.